The following is an entry in ClinVar:

NM_001256789.3(CACNA1F):c.1255C>A (p.Pro419Thr)

Gene: CACNA1F (calcium voltage-gated channel subunit alpha1 F; minus strand). Cytogenetic location: Xp11.23.
Variant type: single nucleotide variant.
Coding change: c.1255C>A on transcript NM_001256789.3 (MANE Select); coding-DNA position 1255, C replaced by A.
Protein change: p.Pro419Thr; replaces proline 419 with threonine.
Molecular consequence: missense variant.
Genome position (GRCh38, 1-based): chrX:49,226,991, G>T on the plus strand (C>A on the coding strand, the complement: CACNA1F is on the minus strand). VCF-style: chrX-49226991-G-T. GRCh37 (hg19) VCF-style: chrX-49083453-G-T.
Other names: c.1060C>A, p.Pro354Thr (NM_001256790.3); c.1255C>A, p.Pro419Thr (NM_005183.4); short protein forms P354T, P419T.
Identifiers: ClinVar variation 4533390 (VCV004533390.1).

ClinVar aggregate classification (germline): Uncertain significance (1 of 4 stars; one submission).

Conditions:
X-linked cone-rod dystrophy 3 (CORDX3). Identifiers: Orphanet 1872, MedGen C1845407, MONDO:0010335, OMIM 300476.

Submission:

Research Institute for Ophthalmology and Vision Science, Shahid Beheshti University of Medical Sciences
Classification: Uncertain significance for X-linked cone-rod dystrophy 3. Last evaluated: 2025-12-09. Review status: criteria provided, single submitter. Criteria: ACMG Guidelines, 2015. Collection method: research. Allele origin: inherited. Inheritance: X-linked recessive inheritance. Affected: yes.